The following is an entry in ClinVar:

ClinVar aggregate classification (germline): Conflicting classifications of pathogenicity. Review status: criteria provided, conflicting classifications (1 of 4 stars). 4 submissions from 4 submitters: Uncertain significance (1); Likely benign (1). 2 of the submissions do not count toward it. Last evaluated 2025-06-01.

Conditions:
Cystic fibrosis (CF). Also called: MUCOVISCIDOSIS. Identifiers: Orphanet 586, MedGen C0010674, MONDO:0009061, OMIM 219700. Disease mechanism: loss of function.

Allele frequency attached by ClinVar (database versions not stated): ExAC 0.00007; gnomAD exomes 0.00009 and 0.00002; gnomAD 0.00003 and 0.00004; TOPMed 0.00002.
gnomAD v4.1: 37 of 1,604,346 alleles (0.0023%); highest among the groups gnomAD compares: East Asian, 0.04%; 1 homozygote.

Submissions (4):

GeneDx
Classification: Uncertain significance. Last evaluated: 2025-06-01. Review status: criteria provided, single submitter. Criteria: GeneDx Variant Classification Process June 2021. Collection method: clinical testing. Allele origin: germline. Affected: yes.
Comment: In silico analysis suggests that this variant does not alter splicing; This variant is associated with the following publications: (PMID: 34426522, 9254864, 37628659)

Labcorp Genetics (formerly Invitae), Labcorp
Classification: Likely benign for Cystic fibrosis. Last evaluated: 2022-11-05. Review status: criteria provided, single submitter. Criteria: Invitae Variant Classification Sherloc (09022015). Collection method: clinical testing. Allele origin: germline.

Counsyl
Classification: Uncertain significance for Cystic fibrosis. Last evaluated: 2017-05-15. Review status: no assertion criteria provided. Collection method: clinical testing. Allele origin: unknown. Not counted in ClinVar's aggregate classification.

ClinVar Staff, National Center for Biotechnology Information (NCBI)
No classification provided. Condition: CFTR-related disorders. Review status: no classification provided. Collection method: literature only. Allele origin: germline. Affected: yes. Not counted in ClinVar's aggregate classification.

Literature cited by the submitters: PubMed 9254864 (cited by Counsyl and ClinVar Staff, National Center for Biotechnology Information (NCBI)).

NM_000492.4(CFTR):c.3964-28G>A

Gene: CFTR (CF transmembrane conductance regulator; plus strand). Cytogenetic location: 7q31.2.
Variant type: single nucleotide variant.
Coding change: c.3964-28G>A on transcript NM_000492.4 (MANE Select); 28 bases into the intron before coding-DNA position 3964, G replaced by A.
Molecular consequence: intron variant.
Genome position (GRCh38, 1-based): chr7:117,664,660, G>A. VCF-style: chr7-117664660-G-A. GRCh37 (hg19) VCF-style: chr7-117304714-G-A.
Identifiers: ClinVar variation 53863 (VCV000053863.11), dbSNP rs397508651, ClinGen allele CA327365.